The following is an entry in ClinVar:

ClinVar aggregate classification (germline): Conflicting classifications of pathogenicity. Review status: criteria provided, conflicting classifications (1 of 4 stars). 8 submissions from 8 submitters: Uncertain significance (4); Likely benign (3). 1 of the submissions does not count toward it. Last evaluated 2026-02-01.

Conditions:
LRP2-related disorder. Also called: LRP2-related condition.
Donnai-Barrow syndrome. Also called: DBS/FOAR SYNDROME; FACIOOCULOACOUSTICORENAL SYNDROME. Identifiers: Orphanet 2143, MedGen C1857277, MONDO:0009104, OMIM 222448.

Allele frequency attached by ClinVar (database versions not stated): 1000 Genomes Project 0.00040; 1000 Genomes Project 30x 0.00047; ESP Exome Variant Server 0.00092; TOPMed 0.00113; gnomAD exomes 0.00123 and 0.00165; gnomAD 0.00132 and 0.00139; ExAC 0.00146.
gnomAD v4.1: 2,566 of 1,613,130 alleles (0.16%); highest among the groups gnomAD compares: Non-Finnish European, 0.19%; 2 homozygotes.

Submissions (9):

Labcorp Genetics (formerly Invitae), Labcorp
Classification: Likely benign. Last evaluated: 2026-02-01. Review status: criteria provided, single submitter. Criteria: Invitae Variant Classification Sherloc (09022015). Collection method: clinical testing. Allele origin: germline.

Mayo Clinic Laboratories, Mayo Clinic
Classification: Likely benign. Last evaluated: 2025-09-24. Review status: criteria provided, single submitter. Criteria: ACMG Guidelines, 2015. Collection method: clinical testing. Allele origin: germline. Observed: 1 variant allele.
Comment: BS1

Blueprint Genetics
Classification: Likely benign. Last evaluated: 2024-10-31. Review status: criteria provided, single submitter. Criteria: ACMG Guidelines, 2015. Collection method: clinical testing. Allele origin: germline.

Department of Pathology and Laboratory Medicine, Sinai Health System
Classification: Uncertain significance for Donnai-Barrow syndrome. Last evaluated: 2023-09-26. Review status: criteria provided, single submitter. Criteria: ACMG Guidelines, 2015. Collection method: research. Allele origin: germline.

Genome-Nilou Lab
Classification: Uncertain significance for Donnai-Barrow syndrome. Last evaluated: 2021-07-15. Review status: criteria provided, single submitter. Criteria: ACMG Guidelines, 2015. Collection method: clinical testing. Allele origin: germline. Affected: no.

Illumina Laboratory Services, Illumina
Classification: Uncertain significance for Donnai-Barrow syndrome. Last evaluated: 2018-01-13. Review status: criteria provided, single submitter. Criteria: ICSL Variant Classification Criteria 13 December 2019. Collection method: clinical testing. Allele origin: germline.

GeneDx
Classification: Uncertain significance. Last evaluated: 2017-01-18. Review status: criteria provided, single submitter. Criteria: GeneDx Variant Classification (06012015). Collection method: clinical testing. Allele origin: germline. Affected: yes.
Comment: The L726F variant in the LRP2 gene has not been reported previously as a pathogenic variant, nor as a benign variant, to our knowledge. This variant was not observed with any significant frequency in approximately 6,500 individuals of European and African American ancestry in the NHLBI Exome Sequencing Project, indicating it is not a common benign variant in these populations. The L726F variant is a conservative amino acid substitution, which is not likely to impact secondary protein structure as these residues share similar properties. This substitution occurs at a position that is not conserved. In silico analysis is inconsistent in its predictions as to whether or not the variant is damaging to the protein structure/function. Based on currently available evidence, we interpret L726F as a variant of uncertain significance.

PreventionGenetics, part of Exact Sciences
Classification: Likely benign for LRP2-related condition. Last evaluated: 2021-08-10. Review status: no assertion criteria provided. Collection method: clinical testing. Allele origin: germline. Not counted in ClinVar's aggregate classification.
Comment: This variant is classified as likely benign based on ACMG/AMP sequence variant interpretation guidelines (Richards et al. 2015 PMID: 25741868, with internal and published modifications).

Dr. Peter K. Rogan Lab, Western University
No classification provided (evidence only). Condition: Ovarian serous cystadenocarcinoma. Review status: no classification provided. Collection method: in vitro. Allele origin: not applicable. Functional consequence: retained intron. Not counted in ClinVar's aggregate classification.

NM_004525.3(LRP2):c.2178G>T (p.Leu726Phe)

Gene: LRP2 (LDL receptor related protein 2; minus strand). Cytogenetic location: 2q31.1.
Variant type: single nucleotide variant.
Coding change: c.2178G>T on transcript NM_004525.3 (MANE Select); coding-DNA position 2178, G replaced by T.
Protein change: p.Leu726Phe; replaces leucine 726 with phenylalanine.
Molecular consequence: missense variant.
Genome position (GRCh38, 1-based): chr2:169,271,046, C>A on the plus strand (G>T on the coding strand, the complement: LRP2 is on the minus strand). VCF-style: chr2-169271046-C-A. GRCh37 (hg19) VCF-style: chr2-170127556-C-A.
Other names: p.Leu726Phe; short protein forms L726F.
Identifiers: ClinVar variation 392253 (VCV000392253.25), dbSNP rs144451000, ClinGen allele CA1955360.